The following is an entry in ClinVar:

NM_024649.5(BBS1):c.573dup (p.Asn192fs)

Gene: BBS1 (Bardet-Biedl syndrome 1; plus strand). Cytogenetic location: 11q13.2.
Variant type: Duplication.
Coding change: c.573dup on transcript NM_024649.5 (MANE Select); coding-DNA position 573, one base duplicated (C; older notation c.573dupC).
Protein change: p.Asn192fs; shifts the reading frame from asparagine 192.
Molecular consequence: frameshift variant.
Genome position (GRCh38, 1-based): chr11:66,515,915, C duplicated; the last of 2 consecutive C bases (chr11:66,515,914-66,515,915); duplicating either gives the same sequence. VCF-style (leftmost placement, unchanged base first): chr11-66515913-T-TC. GRCh37 (hg19) VCF-style: chr11-66283384-T-TC.
Other names: short protein forms N192fs.
Identifiers: ClinVar variation 2848114 (VCV002848114.3), dbSNP rs2495741498, ClinGen allele CA2614499088.

ClinVar aggregate classification (germline): Pathogenic (1 of 4 stars; one submission).

Conditions:
Bardet-Biedl syndrome (BBS). Identifiers: Orphanet 110, MedGen C0752166, MONDO:0015229.

Submission:

Labcorp Genetics (formerly Invitae), Labcorp
Classification: Pathogenic for Bardet-Biedl syndrome. Last evaluated: 2023-03-21. Review status: criteria provided, single submitter. Criteria: Invitae Variant Classification Sherloc (09022015). Collection method: clinical testing. Allele origin: germline.
Comment: For these reasons, this variant has been classified as Pathogenic. This sequence change creates a premature translational stop signal (p.Asn192Glnfs*21) in the BBS1 gene. It is expected to result in an absent or disrupted protein product. Loss-of-function variants in BBS1 are known to be pathogenic (PMID: 12118255, 21520335, 27032803). This variant is not present in population databases (gnomAD no frequency). This variant has not been reported in the literature in individuals affected with BBS1-related conditions.

Literature cited by the submitters: PubMed 12118255; PubMed 21520335; PubMed 27032803.